The following is an entry in ClinVar:

NM_052874.5(STX1B):c.823G>A (p.Gly275Arg)

Gene: STX1B (syntaxin 1B; minus strand). Cytogenetic location: 16p11.2.
Variant type: single nucleotide variant.
Coding change: c.823G>A on transcript NM_052874.5 (MANE Select); coding-DNA position 823, G replaced by A.
Protein change: p.Gly275Arg; replaces glycine 275 with arginine.
Molecular consequence: missense variant.
Genome position (GRCh38, 1-based): chr16:30,992,865, C>T on the plus strand (G>A on the coding strand, the complement: STX1B is on the minus strand). VCF-style: chr16-30992865-C-T. GRCh37 (hg19) VCF-style: chr16-31004186-C-T.
Other names: short protein forms G275R.
Identifiers: ClinVar variation 656366 (VCV000656366.8), dbSNP rs1596714308, ClinGen allele CA395645978.

ClinVar aggregate classification (germline): Likely pathogenic (1 of 4 stars; one submission).

Conditions:
Generalized epilepsy with febrile seizures plus, type 9 (GEFSP9). Also called: GEFS+, TYPE 9. Identifiers: Orphanet 36387, MedGen C4015395, MONDO:0014517, OMIM 616172.

Submission:

Labcorp Genetics (formerly Invitae), Labcorp
Classification: Likely pathogenic for Generalized epilepsy with febrile seizures plus, type 9. Last evaluated: 2020-12-24. Review status: criteria provided, single submitter. Criteria: Invitae Variant Classification Sherloc (09022015). Collection method: clinical testing. Allele origin: germline.
Comment: This sequence change replaces glycine with arginine at codon 275 of the STX1B protein (p.Gly275Arg). The glycine residue is highly conserved and there is a moderate physicochemical difference between glycine and arginine. In summary, the currently available evidence indicates that the variant is pathogenic, but additional data are needed to prove that conclusively. Therefore, this variant has been classified as Likely Pathogenic. Algorithms developed to predict the effect of missense changes on protein structure and function are either unavailable or do not agree on the potential impact of this missense change (SIFT: "Tolerated"; PolyPhen-2: "Possibly Damaging"; Align-GVGD: "Class C0"). This variant is not present in population databases (ExAC no frequency).